The following is an entry in ClinVar:

ClinVar aggregate classification (germline): Uncertain significance (1 of 4 stars; one submission).

Conditions:
Mitochondrial complex II deficiency, nuclear type 1. Also called: SUCCINATE CoQ REDUCTASE DEFICIENCY. Identifiers: Orphanet 3208, MedGen C5700310, MONDO:0100294, OMIM 252011.
Pheochromocytoma/paraganglioma syndrome 5. Also called: Paragangliomas 5; SDHA-Related Hereditary Paraganglioma-Pheochromocytoma Syndrome. Identifiers: Orphanet 29072, MedGen C3279992, MONDO:0013602, OMIM 614165.

Submission:

Labcorp Genetics (formerly Invitae), Labcorp
Classification: Uncertain significance for Pheochromocytoma/paraganglioma syndrome 5; Mitochondrial complex II deficiency, nuclear type 1. Last evaluated: 2019-11-07. Review status: criteria provided, single submitter. Criteria: Invitae Variant Classification Sherloc (09022015). Collection method: clinical testing. Allele origin: germline.
Comment: This sequence change replaces arginine with threonine at codon 207 of the SDHA protein (p.Arg207Thr). The arginine residue is moderately conserved and there is a moderate physicochemical difference between arginine and threonine. This variant is not present in population databases (ExAC no frequency). This variant has not been reported in the literature in individuals with SDHA-related conditions. Algorithms developed to predict the effect of missense changes on protein structure and function are either unavailable or do not agree on the potential impact of this missense change (SIFT: "Tolerated"; PolyPhen-2: "Possibly Damaging"; Align-GVGD: "Class C0"). In summary, the available evidence is currently insufficient to determine the role of this variant in disease. Therefore, it has been classified as a Variant of Uncertain Significance.

NM_004168.4(SDHA):c.620G>C (p.Arg207Thr)

Gene: SDHA (succinate dehydrogenase complex flavoprotein subunit A; plus strand). Cytogenetic location: 5p15.33.
Variant type: single nucleotide variant.
Coding change: c.620G>C on transcript NM_004168.4 (MANE Select); coding-DNA position 620, G replaced by C.
Protein change: p.Arg207Thr; replaces arginine 207 with threonine.
Molecular consequence: missense variant.
Genome position (GRCh38, 1-based): chr5:226,046, G>C. VCF-style: chr5-226046-G-C. GRCh37 (hg19) VCF-style: chr5-226161-G-C.
Other names: c.476G>C, p.Arg159Thr (NM_001294332.2); c.620G>C, p.Arg207Thr (NM_001330758.2); short protein forms R207T, R159T.
Identifiers: ClinVar variation 967919 (VCV000967919.10), dbSNP rs780411478, ClinGen allele CA359010685.